The following is an entry in ClinVar:

NM_001256071.3(RNF213):c.985G>A (p.Gly329Ser)

Gene: RNF213 (ring finger protein 213; plus strand). Cytogenetic location: 17q25.3.
Variant type: single nucleotide variant.
Coding change: c.985G>A on transcript NM_001256071.3 (MANE Select); coding-DNA position 985, G replaced by A.
Protein change: p.Gly329Ser; replaces glycine 329 with serine.
Molecular consequence: missense variant.
Genome position (GRCh38, 1-based): chr17:80,289,710, G>A. VCF-style: chr17-80289710-G-A. GRCh37 (hg19) VCF-style: chr17-78263509-G-A.
Other names: c.1132G>A, p.Gly378Ser (NM_001410195.1, NM_020914.5); c.985G>A, p.Gly329Ser (NM_020954.4); short protein forms G329S, G378S.
Identifiers: ClinVar variation 2637714 (VCV002637714.1), dbSNP rs764762202, ClinGen allele CA8819416.

ClinVar aggregate classification (germline): Uncertain significance (1 of 4 stars; one submission).

Allele frequency attached by ClinVar (database versions not stated): ExAC 0.00001; gnomAD 0.00001; gnomAD exomes 0.00002; TOPMed 0.00002.
gnomAD v4.1: 36 of 1,614,044 alleles (0.0022%); highest among the groups gnomAD compares: Non-Finnish European, 0.0027%; no homozygotes.

Submission:

Women's Health and Genetics/Laboratory Corporation of America, LabCorp
Classification: Uncertain significance. Last evaluated: 2023-10-13. Review status: criteria provided, single submitter. Criteria: LabCorp Variant Classification Summary - May 2015. Collection method: clinical testing. Allele origin: germline.
Comment: Variant summary: RNF213 c.985G>A (p.Gly329Ser) results in a non-conservative amino acid change in the encoded protein sequence. Four of five in-silico tools predict a benign effect of the variant on protein function. The variant allele was found at a frequency of 1.6e-05 in 251476 control chromosomes. The available data on variant occurrences in the general population are insufficient to allow any conclusion about variant significance. To our knowledge, no occurrence of c.985G>A in individuals affected with Moyamoya Disease 2 and no experimental evidence demonstrating its impact on protein function have been reported. No submitters have cited clinical-significance assessments for this variant to ClinVar after 2014. Based on the evidence outlined above, the variant was classified as uncertain significance.